The following is an entry in ClinVar:

ClinVar aggregate classification (germline): Pathogenic (1 of 4 stars; one submission).

Conditions:
KBG syndrome (KBGS). Also called: ANKRD11-Related KBG Syndrome. Identifiers: Orphanet 2332, MedGen C0220687, MONDO:0007846, OMIM 148050.

Submission:

Molecular Genetics Laboratory, Motol Hospital
Classification: Pathogenic for KBG syndrome. Last evaluated: 2024-11-27. Review status: criteria provided, single submitter. Criteria: ACMG Guidelines, 2015. Collection method: clinical testing. Allele origin: de novo. Affected: yes. Observed: 1 variant allele.
Comment: The variant was confirmed to be of a de novo origin. Rare variants affecting the ANKRD11 gene are documented as a molecular cause of autosomal dominant "KBG syndrome" (OMIM:148050) (PMID:21782149;29258554;25125236;25413698). To conclude, the variant is classified as pathogenic (ACMG PVS1, PM2, PS2).

Literature cited by the submitters: PubMed 21782149; PubMed 29258554; PubMed 25125236; PubMed 25413698.

NM_013275.6(ANKRD11):c.4649del (p.Asn1550fs)

Gene: ANKRD11 (ankyrin repeat domain 11; minus strand). Cytogenetic location: 16q24.3.
Variant type: Deletion.
Coding change: c.4649del on transcript NM_013275.6 (MANE Select); coding-DNA position 4649, one base deleted (A; older notation c.4649delA).
Protein change: p.Asn1550fs; shifts the reading frame from asparagine 1550.
Molecular consequence: frameshift variant.
Genome position (GRCh38, 1-based): chr16:89,281,893, T deleted on the plus strand (A on the coding strand, the reverse complement: ANKRD11 is on the minus strand); the first of 2 consecutive T bases (chr16:89,281,893-89,281,894); deleting either gives the same sequence. VCF-style (leftmost placement, unchanged base first): chr16-89281892-GT-G. GRCh37 (hg19) VCF-style: chr16-89348300-GT-G.
Other names: c.4649del, p.Asn1550fs (NM_001256182.2, NM_001256183.2); short protein forms N1550fs.
Identifiers: ClinVar variation 3381751 (VCV003381751.2).